The following is an entry in ClinVar:

ClinVar aggregate classification (germline): Uncertain significance (1 of 4 stars; one submission).

Conditions:
Hereditary nonpolyposis colorectal neoplasms. Identifiers: MedGen C0009405, MeSH D003123.

Submission:

Labcorp Genetics (formerly Invitae), Labcorp
Classification: Uncertain significance for Hereditary nonpolyposis colorectal neoplasms. Last evaluated: 2020-05-21. Review status: criteria provided, single submitter. Criteria: Invitae Variant Classification Sherloc (09022015). Collection method: clinical testing. Allele origin: germline.
Comment: This variant results in a copy number gain of the genomic region encompassing exon 1 of the MSH6 gene. The 5' end of this event is unknown as it extends beyond the assayed region for this gene and therefore may encompass additional genes. The 3' boundary is likely confined to intron 1 of the MSH6 gene. As the precise location of this event is unknown, it may be in tandem or it may be located elsewhere in the genome. This variant has not been reported in the literature in individuals with MSH6-related disease. In summary, the available evidence is currently insufficient to determine the role of this variant in disease. Therefore, it has been classified as a Variant of Uncertain Significance.

NC_000002.12:g.(?_47783234)_(47783503_?)dup

Gene: MSH6 (mutS homolog 6; plus strand). Cytogenetic location: 2p16.3.
Variant type: Duplication.
Identifiers: ClinVar variation 832992 (VCV000832992.3).